The following is an entry in ClinVar:

ClinVar aggregate classification (germline): Uncertain significance (1 of 4 stars; one submission).

Conditions:
Immunodeficiency. Identifiers: MedGen C0021051, MONDO:0021094, HP:0002721.

Submission:

Labcorp Genetics (formerly Invitae), Labcorp
Classification: Uncertain significance for Immunodeficiency. Last evaluated: 2021-02-16. Review status: criteria provided, single submitter. Criteria: Invitae Variant Classification Sherloc (09022015). Collection method: clinical testing. Allele origin: germline.
Comment: In summary, the available evidence is currently insufficient to determine the role of this variant in disease. Therefore, it has been classified as a Variant of Uncertain Significance. Algorithms developed to predict the effect of missense changes on protein structure and function are either unavailable or do not agree on the potential impact of this missense change (SIFT: "Tolerated"; PolyPhen-2: "Probably Damaging"; Align-GVGD: "Class C0"). This variant has not been reported in the literature in individuals with NFAT5-related conditions. This variant is not present in population databases (ExAC no frequency). This sequence change replaces glutamine with proline at codon 1081 of the NFAT5 protein (p.Gln1081Pro). The glutamine residue is moderately conserved and there is a moderate physicochemical difference between glutamine and proline.

NM_138713.4(NFAT5):c.3524A>C (p.Gln1175Pro)

Gene: NFAT5 (nuclear factor of activated T cells 5; plus strand). Cytogenetic location: 16q22.1.
Variant type: single nucleotide variant.
Coding change: c.3524A>C on transcript NM_138713.4 (MANE Select); coding-DNA position 3524, A replaced by C.
Protein change: p.Gln1175Pro; replaces glutamine 1175 with proline.
Molecular consequence: missense variant.
Genome position (GRCh38, 1-based): chr16:69,693,349, A>C. VCF-style: chr16-69693349-A-C. GRCh37 (hg19) VCF-style: chr16-69727252-A-C.
Other names: c.3521A>C, p.Gln1174Pro (NM_001113178.3); c.2849A>C, p.Gln950Pro (NM_001367709.1); c.3470A>C, p.Gln1157Pro (NM_006599.4); c.3242A>C, p.Gln1081Pro (NM_138714.4, NM_173214.3, NM_173215.3); short protein forms Q1157P, Q1175P, Q1081P, Q1174P, Q950P.
Identifiers: ClinVar variation 1510861 (VCV001510861.8), dbSNP rs1200373139, ClinGen allele CA396513198.